The following is an entry in ClinVar:

ClinVar aggregate classification (germline): Likely benign (1 of 4 stars; one submission).

gnomAD v4.1: 37 of 1,614,042 alleles (0.0023%); highest among the groups gnomAD compares: East Asian, 0.0089%; no homozygotes.

Submission:

CeGaT Center for Human Genetics Tuebingen
Classification: Likely benign. Last evaluated: 2026-05-01. Review status: criteria provided, single submitter. Criteria: CeGaT Center For Human Genetics Tuebingen Variant Classification Criteria Version 2. Collection method: clinical testing. Allele origin: germline. Affected: yes. Observed: 1 variant allele.
Comment: KLHL38: BP4, BP7

NM_001081675.3(KLHL38):c.870C>T (p.Gly290=)

Gene: KLHL38 (kelch like family member 38; minus strand). Cytogenetic location: 8q24.13.
Variant type: single nucleotide variant.
Coding change: c.870C>T on transcript NM_001081675.3 (MANE Select); coding-DNA position 870, C replaced by T.
Protein change: p.Gly290=; no amino-acid change (glycine 290 retained).
Molecular consequence: synonymous variant.
Genome position (GRCh38, 1-based): chr8:123,652,057, G>A on the plus strand (C>T on the coding strand, the complement: KLHL38 is on the minus strand). VCF-style: chr8-123652057-G-A. GRCh37 (hg19) VCF-style: chr8-124664297-G-A.
Identifiers: ClinVar variation 4873236 (VCV004873236.2).
Genomic context (GRCh38, chr8:123,652,057, plus strand): 5'-GCCGGTCTGTTTGCTGTACAGTAGGACGTCCCTGGTGGTCTGCTGGCTGTCCTTCCTTCC[G>A]CCCAAGAGGATGAGGAAATCTTGGTAAGAGTTTCTTGGAGGGACATGCAACAGGAGTTTG-3'
Protein context (NP_001075144.2, residues 280-300): NSYQDFLILL[Gly290=]GRKDSQQTTR